The following is an entry in ClinVar:

NM_001037.5(SCN1B):c.448+219dup

Gene: SCN1B (sodium voltage-gated channel beta subunit 1; plus strand). Cytogenetic location: 19q13.11.
Variant type: Duplication.
Coding change: c.448+219dup on transcript NM_001037.5 (MANE Select); 219 bases into the intron after coding-DNA position 448, one base duplicated (C; older notation c.448+219dupC).
Molecular consequence: intron variant. On other transcripts: frameshift variant (1).
Genome position (GRCh38, 1-based): chr19:35,033,958, C duplicated; the last of 5 consecutive C bases (chr19:35,033,954-35,033,958); duplicating any one gives the same sequence. VCF-style (leftmost placement, unchanged base first): chr19-35033953-T-TC. GRCh37 (hg19) VCF-style: chr19-35524857-T-TC.
Other names: c.667dup, p.His223fs (NM_199037.5); c.349+219dup (NM_001321605.2); short protein forms H223fs.
Identifiers: ClinVar variation 3650196 (VCV003650196.2).

ClinVar aggregate classification (germline): Uncertain significance (1 of 4 stars; one submission).

Conditions:
Brugada syndrome 5 (BRGDA5). Identifiers: Orphanet 130, Orphanet 871, MedGen C2748541, MONDO:0013015, OMIM 612838.

Submission:

Labcorp Genetics (formerly Invitae), Labcorp
Classification: Uncertain significance for Brugada syndrome 5. Last evaluated: 2024-04-17. Review status: criteria provided, single submitter. Criteria: Invitae Variant Classification Sherloc (09022015). Collection method: clinical testing. Allele origin: germline.
Comment: This sequence change results in a frameshift in the SCN1B gene (p.His223Profs*85). While this is not anticipated to result in nonsense mediated decay, it is expected to disrupt the last 46 amino acid(s) of the SCN1B protein and extend the protein by 38 additional amino acid residues. This variant is not present in population databases (gnomAD no frequency). This variant has not been reported in the literature in individuals affected with SCN1B-related conditions. Experimental studies and prediction algorithms are not available or were not evaluated, and the functional significance of this variant is currently unknown. In summary, the available evidence is currently insufficient to determine the role of this variant in disease. Therefore, it has been classified as a Variant of Uncertain Significance.